The following is an entry in ClinVar:

NM_058179.4(PSAT1):c.614C>T (p.Ala205Val)

Gene: PSAT1 (phosphoserine aminotransferase 1; plus strand). Cytogenetic location: 9q21.2.
Variant type: single nucleotide variant.
Coding change: c.614C>T on transcript NM_058179.4 (MANE Select); coding-DNA position 614, C replaced by T.
Protein change: p.Ala205Val; replaces alanine 205 with valine.
Molecular consequence: missense variant.
Genome position (GRCh38, 1-based): chr9:78,308,457, C>T. VCF-style: chr9-78308457-C-T. GRCh37 (hg19) VCF-style: chr9-80923373-C-T.
Other names: c.614C>T, p.Ala205Val (NM_021154.5); short protein forms A205V.
Identifiers: ClinVar variation 2094175 (VCV002094175.4), dbSNP rs927197888, ClinGen allele CA373874071.

ClinVar aggregate classification (germline): Uncertain significance (1 of 4 stars; one submission).

Conditions:
Neu-Laxova syndrome 2. Identifiers: Orphanet 2671, Orphanet 583602, MedGen C4015019, MONDO:0014466, OMIM 616038.

Submission:

Labcorp Genetics (formerly Invitae), Labcorp
Classification: Uncertain significance for Neu-Laxova syndrome 2. Last evaluated: 2024-11-27. Review status: criteria provided, single submitter. Criteria: Invitae Variant Classification Sherloc (09022015). Collection method: clinical testing. Allele origin: germline.
Comment: This sequence change replaces alanine, which is neutral and non-polar, with valine, which is neutral and non-polar, at codon 205 of the PSAT1 protein (p.Ala205Val). This variant is not present in population databases (gnomAD no frequency). This variant has not been reported in the literature in individuals affected with PSAT1-related conditions. ClinVar contains an entry for this variant (Variation ID: 2094175). Invitae Evidence Modeling of protein sequence and biophysical properties (such as structural, functional, and spatial information, amino acid conservation, physicochemical variation, residue mobility, and thermodynamic stability) indicates that this missense variant is not expected to disrupt PSAT1 protein function with a negative predictive value of 80%. In summary, the available evidence is currently insufficient to determine the role of this variant in disease. Therefore, it has been classified as a Variant of Uncertain Significance.